The following is an entry in ClinVar:

ClinVar aggregate classification (germline): Uncertain significance (1 of 4 stars; one submission).

Conditions:
Developmental and epileptic encephalopathy, 2 (DEE2). Also called: INFANTILE SPASM SYNDROME, X-LINKED 2; CDKL5 deficiency disorder. Identifiers: Orphanet 1934, Orphanet 3451, Orphanet 505652, MedGen C4750718, MONDO:0010396, OMIM 300672.
Angelman syndrome-like. Identifiers: MedGen CN128785.

Allele frequency attached by ClinVar (database versions not stated): gnomAD exomes 0.00001; ExAC 0.00002.
gnomAD v4.1: 7 of 1,200,875 alleles (0.00058%); highest among the groups gnomAD compares: South Asian, 0.011%; no homozygotes.

Submission:

Labcorp Genetics (formerly Invitae), Labcorp
Classification: Uncertain significance for Developmental and epileptic encephalopathy, 2; Angelman syndrome-like. Last evaluated: 2024-07-12. Review status: criteria provided, single submitter. Criteria: Invitae Variant Classification Sherloc (09022015). Collection method: clinical testing. Allele origin: germline.
Comment: This sequence change replaces isoleucine, which is neutral and non-polar, with threonine, which is neutral and polar, at codon 6 of the CDKL5 protein (p.Ile6Thr). This variant is present in population databases (rs746036179, gnomAD 0.005%), including at least one homozygous and/or hemizygous individual. This variant has not been reported in the literature in individuals affected with CDKL5-related conditions. ClinVar contains an entry for this variant (Variation ID: 2045172). Advanced modeling of protein sequence and biophysical properties (such as structural, functional, and spatial information, amino acid conservation, physicochemical variation, residue mobility, and thermodynamic stability) performed at Invitae indicates that this missense variant is expected to disrupt CDKL5 protein function with a positive predictive value of 95%. In summary, the available evidence is currently insufficient to determine the role of this variant in disease. Therefore, it has been classified as a Variant of Uncertain Significance.

NM_001323289.2(CDKL5):c.17T>C (p.Ile6Thr)

Gene: CDKL5 (cyclin dependent kinase like 5; plus strand). Cytogenetic location: Xp22.13.
Variant type: single nucleotide variant.
Coding change: c.17T>C on transcript NM_001323289.2 (MANE Select); coding-DNA position 17, T replaced by C.
Protein change: p.Ile6Thr; replaces isoleucine 6 with threonine.
Molecular consequence: missense variant.
Genome position (GRCh38, 1-based): chrX:18,507,113, T>C. VCF-style: chrX-18507113-T-C. GRCh37 (hg19) VCF-style: chrX-18525233-T-C.
Other names: c.17T>C, p.Ile6Thr (NM_001037343.2, NM_003159.3); short protein forms I6T.
Identifiers: ClinVar variation 2045172 (VCV002045172.4), dbSNP rs746036179, ClinGen allele CA10360170.